The following is an entry in ClinVar:

ClinVar aggregate classification (germline): Uncertain significance (1 of 4 stars; one submission).

Submission:

Ambry Genetics
Classification: Uncertain significance. Last evaluated: 2022-06-04. Review status: criteria provided, single submitter. Criteria: Ambry Variant Classification Scheme 2023. Collection method: clinical testing. Allele origin: germline.
Comment: The p.L810V variant (also known as c.2428C>G), located in coding exon 15 of the POLQ gene, results from a C to G substitution at nucleotide position 2428. The leucine at codon 810 is replaced by valine, an amino acid with highly similar properties. This amino acid position is conserved. In addition, the in silico prediction for this alteration is inconclusive. Since supporting evidence is limited at this time, the clinical significance of this alteration remains unclear.

NM_199420.4(POLQ):c.2428C>G (p.Leu810Val)

Gene: POLQ (DNA polymerase theta; minus strand). Cytogenetic location: 3q13.33.
Variant type: single nucleotide variant.
Coding change: c.2428C>G on transcript NM_199420.4 (MANE Select); coding-DNA position 2428, C replaced by G.
Protein change: p.Leu810Val; replaces leucine 810 with valine.
Molecular consequence: missense variant.
Genome position (GRCh38, 1-based): chr3:121,493,572, G>C on the plus strand (C>G on the coding strand, the complement: POLQ is on the minus strand). VCF-style: chr3-121493572-G-C. GRCh37 (hg19) VCF-style: chr3-121212419-G-C.
Other names: short protein forms L810V.
Identifiers: ClinVar variation 1791116 (VCV001791116.2), dbSNP rs763240518, ClinGen allele CA354107729.
Genomic context (GRCh38, chr3:121,493,572, plus strand): 5'-CCACCTCCACAATATTTGCTCTAGCAAGGTCTGCCACAGTATGAAAGCCAGAAGCATAGA[G>C]AACCCTGGCTCTCTGAGCATTTAGTAAGGATACCCGAACCAGGTCACACAGCTCCCTCTG-3'
Protein context (NP_955452.3, residues 800-820): SLLNAQRARV[Leu810Val]YASGFHTVAD